The following is an entry in ClinVar:

ClinVar aggregate classification (germline): Uncertain significance (1 of 4 stars; one submission).

Conditions:
Keratosis palmoplantaris striata 2. Also called: KERATODERMA, PALMOPLANTAR, STRIATE FORM II; STRIATE PALMOPLANTAR KERATODERMA II; Keratosis palmoplantaris striata II. Identifiers: MedGen C1852127, MONDO:0013034, OMIM 612908.
Arrhythmogenic cardiomyopathy with wooly hair and keratoderma. Also called: Carvajal syndrome; PALMOPLANTAR KERATODERMA WITH LEFT VENTRICULAR CARDIOMYOPATHY AND WOOLLY HAIR; Arrhythmogenic cardiomyopathy with woolly hair and keratoderma; Dilated cardiomyopathy with woolly hair and keratoderma. Identifiers: Orphanet 65282, MedGen C1854063, MONDO:0011581, OMIM 605676.
Arrhythmogenic right ventricular dysplasia 8 (ARVD8). Also called: ARRHYTHMOGENIC RIGHT VENTRICULAR CARDIOMYOPATHY 8; Arrhythmogenic Right Ventricular Dysplasia/Cardiomyopathy 8; ARRHYTHMOGENIC RIGHT VENTRICULAR DYSPLASIA, FAMILIAL, 8. Identifiers: MedGen C1843896, MONDO:0011831, OMIM 607450.
Lethal acantholytic epidermolysis bullosa (EBLA). Identifiers: Orphanet 158687, MedGen C1864826, MONDO:0012323, OMIM 609638.
Cardiomyopathy, dilated, with wooly hair, keratoderma, and tooth agenesis. Also called: Erythrokeratodermia-cardiomyopathy syndrome; Cardiomyopathy, dilated, with woolly hair, keratoderma, and tooth agenesis. Identifiers: Orphanet 476096, Orphanet 65282, MedGen C4014393, MONDO:0014355, OMIM 615821.

Submission:

Juno Genomics, Hangzhou Juno Genomics, Inc
Classification: Uncertain significance for Arrhythmogenic right ventricular dysplasia 8; Arrhythmogenic cardiomyopathy with wooly hair and keratoderma; Cardiomyopathy, dilated, with wooly hair, keratoderma, and tooth agenesis; Lethal acantholytic epidermolysis bullosa; Keratosis palmoplantaris striata 2. Review status: criteria provided, single submitter. Criteria: ACMG Guidelines, 2015. Collection method: clinical testing. Allele origin: germline. Affected: yes.
Comment: Absent from controls (or at extremely low frequency if recessive) in Genome Aggregation Database.;Null variant in a gene where loss of function (LOF) is a known mechanism of disease.

NM_004415.4(DSP):c.6361_6382del (p.Gly2121fs)

Gene: DSP (desmoplakin; plus strand). Cytogenetic location: 6p24.3.
Variant type: Deletion.
Coding change: c.6361_6382del on transcript NM_004415.4 (MANE Select); coding-DNA positions 6361 to 6382, 22 bases deleted (GGAATGCGCCTGCTGGAAGCCC).
Protein change: p.Gly2121fs; shifts the reading frame from glycine 2121.
Molecular consequence: frameshift variant.
Genome position (GRCh38, 1-based): chr6:7,583,623-7,583,644, GGAATGCGCCTGCTGGAAGCCC deleted; deleting any 22 consecutive bases within chr6:7,583,621-7,583,644 gives the same sequence; the c. name uses the placement nearest the transcript's 3' end. VCF-style (leftmost placement, unchanged base first): chr6-7583620-ACCGGAATGCGCCTGCTGGAAGC-A. GRCh37 (hg19) VCF-style: chr6-7583853-ACCGGAATGCGCCTGCTGGAAGC-A.
Other names: c.4564_4585del, p.Gly1522fs (NM_001008844.3); c.5032_5053del, p.Gly1678fs (NM_001319034.2); short protein forms G1678fs, G1522fs, G2121fs.
Identifiers: ClinVar variation 5007683 (VCV005007683.1).